The following is an entry in ClinVar:

NM_133510.4(RAD51B):c.752T>G (p.Ile251Ser)

Gene: RAD51B (RAD51 paralog B; plus strand). Cytogenetic location: 14q24.1.
Variant type: single nucleotide variant.
Coding change: c.752T>G on transcript NM_133510.4 (MANE Select); coding-DNA position 752, T replaced by G.
Protein change: p.Ile251Ser; replaces isoleucine 251 with serine.
Molecular consequence: missense variant.
Genome position (GRCh38, 1-based): chr14:67,887,200, T>G. VCF-style: chr14-67887200-T-G. GRCh37 (hg19) VCF-style: chr14-68353917-T-G.
Other names: c.752T>G, p.Ile251Ser (NM_001321809.2, NM_001321810.2, NM_001321812.1 and 6 more transcripts); c.638T>G, p.Ile213Ser (NM_001321815.1); c.395T>G, p.Ile132Ser (NM_001321817.2); short protein forms I132S, I213S, I251S.
Identifiers: ClinVar variation 3942339 (VCV003942339.1).

ClinVar aggregate classification (germline): Uncertain significance (1 of 4 stars; one submission).

Submission:

Ambry Genetics
Classification: Uncertain significance. Last evaluated: 2025-06-12. Review status: criteria provided, single submitter. Criteria: Ambry Variant Classification Scheme 2023. Collection method: clinical testing. Allele origin: germline.
Comment: The p.I251S variant (also known as c.752T>G), located in coding exon 6 of the RAD51B gene, results from a T to G substitution at nucleotide position 752. The isoleucine at codon 251 is replaced by serine, an amino acid with dissimilar properties. This amino acid position is conserved. In addition, the in silico prediction for this alteration is inconclusive. Based on the available evidence, the clinical significance of this variant remains unclear.